The following is an entry in ClinVar:

NM_020778.5(ALPK3):c.3203C>T (p.Ser1068Phe)

Gene: ALPK3 (alpha kinase 3; plus strand). Cytogenetic location: 15q25.3.
Variant type: single nucleotide variant.
Coding change: c.3203C>T on transcript NM_020778.5 (MANE Select); coding-DNA position 3203, C replaced by T.
Protein change: p.Ser1068Phe; replaces serine 1068 with phenylalanine.
Molecular consequence: missense variant.
Genome position (GRCh38, 1-based): chr15:84,857,941, C>T. VCF-style: chr15-84857941-C-T. GRCh37 (hg19) VCF-style: chr15-85401172-C-T.
Other names: short protein forms S1068F.
Identifiers: ClinVar variation 1998772 (VCV001998772.4), dbSNP rs1963887040, ClinGen allele CA393359799.

ClinVar aggregate classification (germline): Uncertain significance (1 of 4 stars; one submission).

Submission:

Labcorp Genetics (formerly Invitae), Labcorp
Classification: Uncertain significance. Last evaluated: 2022-05-25. Review status: criteria provided, single submitter. Criteria: Invitae Variant Classification Sherloc (09022015). Collection method: clinical testing. Allele origin: germline.
Comment: In summary, the available evidence is currently insufficient to determine the role of this variant in disease. Therefore, it has been classified as a Variant of Uncertain Significance. Algorithms developed to predict the effect of missense changes on protein structure and function (SIFT, PolyPhen-2, Align-GVGD) all suggest that this variant is likely to be tolerated. This variant has not been reported in the literature in individuals affected with ALPK3-related conditions. This variant is not present in population databases (gnomAD no frequency). This sequence change replaces serine, which is neutral and polar, with phenylalanine, which is neutral and non-polar, at codon 1270 of the ALPK3 protein (p.Ser1270Phe).